The following is an entry in ClinVar:

ClinVar aggregate classification (germline): Pathogenic (1 of 4 stars; one submission).

Submission:

Labcorp Genetics (formerly Invitae), Labcorp
Classification: Pathogenic. Last evaluated: 2023-04-28. Review status: criteria provided, single submitter. Criteria: Invitae Variant Classification Sherloc (09022015). Collection method: clinical testing. Allele origin: germline.
Comment: For these reasons, this variant has been classified as Pathogenic. This variant has not been reported in the literature in individuals affected with ATR-related conditions. This variant is a gross deletion of the genomic region encompassing exon(s) 2 of the ATR gene. This deletion is out-of-frame, and is expected to create a premature termination codon and result in an absent or disrupted protein product. Loss-of-function variants in ATR are known to be pathogenic (PMID: 21228398, 23144622).

Literature cited by the submitters: PubMed 21228398; PubMed 23144622.

NC_000003.12:g.(?_142568053)_(142568164_?)del

Gene: ATR (ATR serine/threonine kinase; minus strand). Cytogenetic location: 3q23.
Variant type: Deletion.
Identifiers: ClinVar variation 832979 (VCV000832979.5).